The following is an entry in ClinVar:

NM_005802.5(TOPORS):c.2507A>G (p.Tyr836Cys)

Gene: TOPORS (TOP1 binding arginine/serine rich protein, E3 ubiquitin ligase; minus strand). Cytogenetic location: 9p21.1.
Variant type: single nucleotide variant.
Coding change: c.2507A>G on transcript NM_005802.5 (MANE Select); coding-DNA position 2507, A replaced by G.
Protein change: p.Tyr836Cys; replaces tyrosine 836 with cysteine.
Molecular consequence: missense variant.
Genome position (GRCh38, 1-based): chr9:32,542,018, T>C on the plus strand (A>G on the coding strand, the complement: TOPORS is on the minus strand). VCF-style: chr9-32542018-T-C. GRCh37 (hg19) VCF-style: chr9-32542016-T-C.
Other names: c.2507A>G (NM_005802.4); c.2312A>G, p.Tyr771Cys (NM_001195622.2); short protein forms Y771C, Y836C.
Identifiers: ClinVar variation 1169838 (VCV001169838.12), dbSNP rs149817592, ClinGen allele CA5020357.

ClinVar aggregate classification (germline): Benign/Likely benign. Review status: criteria provided, multiple submitters, no conflicts (2 of 4 stars). 3 submissions from 3 submitters: Benign (1); Likely benign (2). Last evaluated 2026-07-01.

Conditions:
TOPORS-related disorder. Also called: TOPORS-related condition.

Allele frequency attached by ClinVar (database versions not stated): gnomAD exomes 0.00007 and 0.00022; 1000 Genomes Project 30x 0.00016; 1000 Genomes Project 0.00020; ExAC 0.00023; gnomAD 0.00098 and 0.00106; TOPMed 0.00102; ESP Exome Variant Server 0.00138.
gnomAD v4.1: 265 of 1,614,104 alleles (0.016%); highest among the groups gnomAD compares: African/African-American, 0.31%; no homozygotes.

Submissions (3):

PreventionGenetics, part of Exact Sciences
Classification: Likely benign for TOPORS-related condition. Last evaluated: 2026-07-01. Review status: criteria provided, single submitter. Criteria: ACMG Guidelines, 2015. Collection method: clinical testing. Allele origin: germline.
Comment: This variant is classified as likely benign based on ACMG/AMP sequence variant interpretation guidelines (Richards et al. 2015 PMID: 25741868, with internal and published modifications).

Labcorp Genetics (formerly Invitae), Labcorp
Classification: Benign. Last evaluated: 2026-01-26. Review status: criteria provided, single submitter. Criteria: Invitae Variant Classification Sherloc (09022015). Collection method: clinical testing. Allele origin: germline.

Blueprint Genetics
Classification: Likely benign. Last evaluated: 2024-10-08. Review status: criteria provided, single submitter. Criteria: ACMG Guidelines, 2015. Collection method: clinical testing. Allele origin: germline.